The following is an entry in ClinVar:

NM_014991.6(WDFY3):c.6605G>C (p.Arg2202Thr)

Gene: WDFY3 (WD repeat and FYVE domain containing 3; minus strand). Cytogenetic location: 4q21.23.
Variant type: single nucleotide variant.
Coding change: c.6605G>C on transcript NM_014991.6 (MANE Select); coding-DNA position 6605, G replaced by C.
Protein change: p.Arg2202Thr; replaces arginine 2202 with threonine.
Molecular consequence: missense variant.
Genome position (GRCh38, 1-based): chr4:84,737,336, C>G on the plus strand (G>C on the coding strand, the complement: WDFY3 is on the minus strand). VCF-style: chr4-84737336-C-G. GRCh37 (hg19) VCF-style: chr4-85658489-C-G.
Other names: short protein forms R2202T.
Identifiers: ClinVar variation 3469116 (VCV003469116.2).

ClinVar aggregate classification (germline): Uncertain significance (1 of 4 stars; one submission).

Conditions:
Inborn genetic diseases. Identifiers: MedGen C0950123, MeSH D030342.

Submission:

Ambry Genetics
Classification: Uncertain significance for Inborn genetic diseases. Last evaluated: 2024-12-16. Review status: criteria provided, single submitter. Criteria: Ambry Variant Classification Scheme 2023. Collection method: clinical testing. Allele origin: germline.
Comment: The c.6605G>C (p.R2202T) alteration is located in exon 41 (coding exon 38) of the WDFY3 gene. This alteration results from a G to C substitution at nucleotide position 6605, causing the arginine (R) at amino acid position 2202 to be replaced by a threonine (T). This variant was not reported in population-based cohorts in the Genome Aggregation Database (gnomAD). This amino acid position is highly conserved in available vertebrate species. This alteration is predicted to be deleterious by in silico analysis. Based on insufficient or conflicting evidence, the clinical significance of this alteration remains unclear.